The following is an entry in ClinVar:

ClinVar aggregate classification (germline): Conflicting classifications of pathogenicity. Review status: criteria provided, conflicting classifications (1 of 4 stars). 4 submissions from 4 submitters: Uncertain significance (3); Likely benign (1). Last evaluated 2026-04-22.

Conditions:
Inborn genetic diseases. Identifiers: MedGen C0950123, MeSH D030342.
Cyclical neutropenia. Also called: Cyclic hematopoiesis; Cyclic Neutropenia. Identifiers: Orphanet 2686, MedGen C0221023, MONDO:0008090, OMIM 162800, HP:0040289. Disease mechanism: loss of function.
Neutropenia, severe congenital, 1, autosomal dominant. Identifiers: MedGen C1859966, MONDO:0042490, OMIM 202700.

Allele frequency attached by ClinVar (database versions not stated): gnomAD exomes 0.00001 and 0.00002; TOPMed 0.00001; ExAC 0.00002; gnomAD 0.00003.
gnomAD v4.1: 34 of 1,609,702 alleles (0.0021%); highest among the groups gnomAD compares: East Asian, 0.011%; no homozygotes.

Submissions (4):

Women's Health and Genetics/Laboratory Corporation of America, LabCorp
Classification: Uncertain significance. Last evaluated: 2026-04-22. Review status: criteria provided, single submitter. Criteria: LabCorp Variant Classification Summary - May 2015. Collection method: clinical testing. Allele origin: germline.
Comment: Variant summary: ELANE c.502G>A (p.Val168Ile) results in a conservative amino acid change in the encoded protein sequence. Algorithms developed to predict the effect of missense changes on protein structure and function all suggest that this variant is likely to be tolerated. The variant allele was found at a frequency of 1.2e-05 in 246456 control chromosomes. The available data on variant occurrences in the general population are insufficient to allow any conclusion about variant significance. To our knowledge, no occurrence of c.502G>A in individuals affected with ELANE-related conditions and no experimental evidence demonstrating its impact on protein function have been reported. ClinVar contains an entry for this variant (Variation ID: 242285). Based on the evidence outlined above, the variant was classified as uncertain significance.

Ambry Genetics
Classification: Likely benign for Inborn genetic diseases. Last evaluated: 2024-11-30. Review status: criteria provided, single submitter. Criteria: Ambry Variant Classification Scheme 2023. Collection method: clinical testing. Allele origin: germline.

Labcorp Genetics (formerly Invitae), Labcorp
Classification: Uncertain significance for Neutropenia, severe congenital, 1, autosomal dominant; Cyclical neutropenia. Last evaluated: 2024-04-22. Review status: criteria provided, single submitter. Criteria: Invitae Variant Classification Sherloc (09022015). Collection method: clinical testing. Allele origin: germline.
Comment: This sequence change replaces valine, which is neutral and non-polar, with isoleucine, which is neutral and non-polar, at codon 168 of the ELANE protein (p.Val168Ile). This variant is present in population databases (rs201313263, gnomAD 0.01%). This variant has not been reported in the literature in individuals affected with ELANE-related conditions. ClinVar contains an entry for this variant (Variation ID: 242285). Algorithms developed to predict the effect of missense changes on protein structure and function output the following: SIFT: "Not Available"; PolyPhen-2: "Benign"; Align-GVGD: "Not Available". The isoleucine amino acid residue is found in multiple mammalian species, which suggests that this missense change does not adversely affect protein function. In summary, the available evidence is currently insufficient to determine the role of this variant in disease. Therefore, it has been classified as a Variant of Uncertain Significance.

GeneDx
Classification: Uncertain significance. Last evaluated: 2015-08-14. Review status: criteria provided, single submitter. Criteria: GeneDx Variant Classification (06012015). Collection method: clinical testing. Allele origin: germline. Affected: yes.
Comment: The V168I variant has not been published as a mutation, nor has it been reported as a benign polymorphism to our knowledge. The V168I variant was not observed in approximately 6,500 individuals of European and African American ancestry in the NHLBI Exome Sequencing Project, indicating it is not a common benign variant in these populations. The V168I variant is a conservative amino acid substitution, which is not likely to impact secondary protein structure as these residues share similar properties, and in silico analysis predicts this variant likely does not alter the protein structure/function. However, this substitution occurs at a position that is moderately conserved among species. Therefore, based on the currently available information, it is unclear whether this variant is a pathogenic mutation or a rare benign variant.

NM_001972.4(ELANE):c.502G>A (p.Val168Ile)

Gene: ELANE (elastase, neutrophil expressed; plus strand). Cytogenetic location: 19p13.3.
Variant type: single nucleotide variant.
Coding change: c.502G>A on transcript NM_001972.4 (MANE Select); coding-DNA position 502, G replaced by A.
Protein change: p.Val168Ile; replaces valine 168 with isoleucine.
Molecular consequence: missense variant.
Genome position (GRCh38, 1-based): chr19:855,699, G>A. VCF-style: chr19-855699-G-A. GRCh37 (hg19) VCF-style: chr19-855699-G-A.
Other names: c.502G>A (LRG_57t1); short protein forms V168I.
Identifiers: ClinVar variation 242285 (VCV000242285.9), dbSNP rs201313263, ClinGen allele CA9026078.
Genomic context (GRCh38, chr19:855,699, plus strand): 5'-GGGGTGCAGTGCCTGGCCATGGGCTGGGGCCTTCTGGGCAGGAACCGTGGGATCGCCAGC[G>A]TCCTGCAGGAGCTCAACGTGACGGTGGTGACGTCCCTCTGCCGTCGCAGCAACGTCTGCA-3'
Protein context (NP_001963.1, residues 158-178): LLGRNRGIAS[Val168Ile]LQELNVTVVT